The following is an entry in ClinVar:

NM_015202.5(KATNIP):c.3085_3087dup (p.Arg1029_Val1030insArg)

Gene: KATNIP (katanin interacting protein; plus strand). Cytogenetic location: 16p12.1.
Variant type: Duplication.
Coding change: c.3085_3087dup on transcript NM_015202.5 (MANE Select); coding-DNA positions 3085 to 3087, 3 bases duplicated (CGC; older notation c.3085_3087dupCGC).
Protein change: p.Arg1029_Val1030insArg.
Molecular consequence: inframe insertion.
Genome position (GRCh38, 1-based): chr16:27,750,045-27,750,047, CGC duplicated; duplicating any 3 consecutive bases within chr16:27,750,044-27,750,047 gives the same sequence; the c. name uses the placement nearest the transcript's 3' end. VCF-style (leftmost placement, unchanged base first): chr16-27750043-C-CCCG. GRCh37 (hg19) VCF-style: chr16-27761364-C-CCCG.
Identifiers: ClinVar variation 2168767 (VCV002168767.4), dbSNP rs773803155, ClinGen allele CA7978140.
Genomic context (GRCh38, chr16:27,750,043, plus strand): 5'-TTTCAAACATAAAAGCAGACCCTCCCGATATCAATATTTTACCAGCCTATGGGAAAGACC[C>CCCG]CCGCGTGGTCACCAACCTCATCGACGGGGTGAACAGGACCCAGGATGACATGCATGTCTG-3'

ClinVar aggregate classification (germline): Uncertain significance (1 of 4 stars; one submission).

Submission:

Labcorp Genetics (formerly Invitae), Labcorp
Classification: Uncertain significance. Last evaluated: 2023-12-07. Review status: criteria provided, single submitter. Criteria: Invitae Variant Classification Sherloc (09022015). Collection method: clinical testing. Allele origin: germline.
Comment: This variant, c.3085_3087dup, results in the insertion of 1 amino acid(s) of the KIAA0556 protein (p.Arg1029dup), but otherwise preserves the integrity of the reading frame. This variant is present in population databases (rs773803155, gnomAD 0.009%). This variant has not been reported in the literature in individuals affected with KIAA0556-related conditions. ClinVar contains an entry for this variant (Variation ID: 2168767). Experimental studies and prediction algorithms are not available or were not evaluated, and the functional significance of this variant is currently unknown. In summary, the available evidence is currently insufficient to determine the role of this variant in disease. Therefore, it has been classified as a Variant of Uncertain Significance.